The following is an entry in ClinVar:

ClinVar aggregate classification (germline): Uncertain significance (1 of 4 stars; one submission).

Conditions:
Glycogen storage disease type III (GSD3). Also called: Cori disease; FORBES DISEASE. Identifiers: Orphanet 366, MedGen C0017922, MONDO:0009291, OMIM 232400.

Allele frequency attached by ClinVar (database versions not stated): gnomAD exomes below 0.00001 and 0.00001; TOPMed below 0.00001; ExAC 0.00001.

Submission:

Labcorp Genetics (formerly Invitae), Labcorp
Classification: Uncertain significance for Glycogen storage disease type III. Last evaluated: 2020-12-18. Review status: criteria provided, single submitter. Criteria: Invitae Variant Classification Sherloc (09022015). Collection method: clinical testing. Allele origin: germline.
Comment: In summary, the available evidence is currently insufficient to determine the role of this variant in disease. Therefore, it has been classified as a Variant of Uncertain Significance. Algorithms developed to predict the effect of missense changes on protein structure and function are either unavailable or do not agree on the potential impact of this missense change (SIFT: "Tolerated"; PolyPhen-2: "Probably Damaging"; Align-GVGD: "Class C0"). This variant has not been reported in the literature in individuals with AGL-related conditions. This variant is present in population databases (rs765984761, ExAC 0.001%). This sequence change replaces threonine with serine at codon 1103 of the AGL protein (p.Thr1103Ser). The threonine residue is moderately conserved and there is a small physicochemical difference between threonine and serine.

NM_000642.3(AGL):c.3308C>G (p.Thr1103Ser)

Gene: AGL (amylo-alpha-1,6-glucosidase and 4-alpha-glucanotransferase; plus strand). Cytogenetic location: 1p21.2.
Variant type: single nucleotide variant.
Coding change: c.3308C>G on transcript NM_000642.3 (MANE Select); coding-DNA position 3308, C replaced by G.
Protein change: p.Thr1103Ser; replaces threonine 1103 with serine.
Molecular consequence: missense variant.
Genome position (GRCh38, 1-based): chr1:99,896,334, C>G. VCF-style: chr1-99896334-C-G. GRCh37 (hg19) VCF-style: chr1-100361890-C-G.
Other names: c.3308C>G, p.Thr1103Ser (NM_000028.3, NM_000643.3, NM_000644.3 and 1 more transcripts); c.3287C>G, p.Thr1096Ser (NM_001425326.1); c.3107C>G, p.Thr1036Ser (NM_001425327.1); c.3104C>G, p.Thr1035Ser (NM_001425328.1); c.2969C>G, p.Thr990Ser (NM_001425329.1); c.2930C>G, p.Thr977Ser (NM_001425332.1); c.3260C>G, p.Thr1087Ser (NM_000646.3); short protein forms T1087S, T1103S, T1035S, T1036S, T1096S, T977S, T990S.
Identifiers: ClinVar variation 1386629 (VCV001386629.6), dbSNP rs765984761, ClinGen allele CA967045.